The following is an entry in ClinVar:

ClinVar aggregate classification (germline): Likely pathogenic. Review status: criteria provided, multiple submitters, no conflicts (2 of 4 stars). 2 submissions from 2 submitters: Likely pathogenic (2). Last evaluated 2025-01-28.

Conditions:
GANAB-related disorder. Also called: GANAB-related condition.

gnomAD v4.1: 1 of 1,610,650 alleles (0.000062%); highest among the groups gnomAD compares: Non-Finnish European, 0.000085%; no homozygotes.

Submissions (2):

PreventionGenetics, part of Exact Sciences
Classification: Likely pathogenic for GANAB-related condition. Last evaluated: 2025-01-28. Review status: criteria provided, single submitter. Criteria: ACMG Guidelines, 2015. Collection method: clinical testing. Allele origin: germline.
Comment: The GANAB c.145C>T variant is predicted to result in premature protein termination (p.Arg49*). To our knowledge, this variant has not been reported in the literature or in a large population database (gnomAD), indicating this variant is rare. Nonsense variants in GANAB are expected to be pathogenic. This variant is interpreted as likely pathogenic.

Blueprint Genetics
Classification: Likely pathogenic for GANAB-related disorders. Last evaluated: 2020-11-17. Review status: criteria provided, single submitter. Criteria: ACMG Guidelines, 2015. Collection method: clinical testing. Allele origin: germline. Affected: yes. Observed: 1 variant allele.

NM_198334.3(GANAB):c.145C>T (p.Arg49Ter)

Gene: GANAB (glucosidase II alpha subunit; minus strand). Cytogenetic location: 11q12.3.
Variant type: single nucleotide variant.
Coding change: c.145C>T on transcript NM_198334.3 (MANE Select); coding-DNA position 145, C replaced by T.
Protein change: p.Arg49Ter; replaces arginine 49 with a stop codon.
Molecular consequence: nonsense. On other transcripts: 5 prime UTR variant (4), intron variant (3).
Genome position (GRCh38, 1-based): chr11:62,639,466, G>A on the plus strand (C>T on the coding strand, the complement: GANAB is on the minus strand). VCF-style: chr11-62639466-G-A. GRCh37 (hg19) VCF-style: chr11-62406938-G-A.
Other names: c.-147C>T (NM_001329222.2, NM_001329223.2); c.-632C>T (NM_001329224.2, NM_001329225.2); c.145C>T, p.Arg49Ter (NM_198335.4); c.39-4466C>T (NM_001278193.2, NM_001278192.2); c.-40+161C>T (NM_001278194.2); c.145C>T (NM_198335.3); short protein forms R49*.
Identifiers: ClinVar variation 4912074 (VCV004912074.2).